The following is an entry in ClinVar:

NM_001032386.2(SUOX):c.115C>T (p.Gln39Ter)

Gene: SUOX (sulfite oxidase; plus strand). Cytogenetic location: 12q13.2.
Variant type: single nucleotide variant.
Coding change: c.115C>T on transcript NM_001032386.2 (MANE Select); coding-DNA position 115, C replaced by T.
Protein change: p.Gln39Ter; replaces glutamine 39 with a stop codon.
Molecular consequence: nonsense.
Genome position (GRCh38, 1-based): chr12:56,002,607, C>T. VCF-style: chr12-56002607-C-T. GRCh37 (hg19) VCF-style: chr12-56396391-C-T.
Other names: c.115C>T, p.Gln39Ter (NM_000456.3, NM_001032387.2); c.115C>T (NM_000456.2); short protein forms Q39*.
Identifiers: ClinVar variation 1068910 (VCV001068910.9), dbSNP rs1175117475, ClinGen allele CA385279405.
Genomic context (GRCh38, chr12:56,002,607, plus strand): 5'-AAGTCAATCCCCTCAAGGATCTGCATTCAGGCCTGCTCCACAAATGATTCATTTCAGCCC[C>T]AGCGCCCCAGCCTCACCTTCTCTGGTGATAACTCCAGCACCCAGGGATGGAGAGTCATGG-3'

ClinVar aggregate classification (germline): Pathogenic. Review status: criteria provided, single submitter (1 of 4 stars). 2 submissions from 2 submitters: Pathogenic (1). 1 of the submissions does not count toward it. Last evaluated 2024-07-22.

Conditions:
SUOX-related disorder. Also called: SUOX-related condition.
Sulfite oxidase deficiency. Also called: Isolated sulfite oxidase deficiency. Identifiers: Orphanet 833, Orphanet 99731, MedGen C0268624, MONDO:0010089, OMIM 272300, HP:0003643.

Allele frequency attached by ClinVar (database versions not stated): gnomAD exomes 0.00001.

Submissions (2):

Labcorp Genetics (formerly Invitae), Labcorp
Classification: Pathogenic for Sulfite oxidase deficiency. Last evaluated: 2024-07-22. Review status: criteria provided, single submitter. Criteria: Invitae Variant Classification Sherloc (09022015). Collection method: clinical testing. Allele origin: germline.
Comment: This sequence change creates a premature translational stop signal (p.Gln39*) in the SUOX gene. It is expected to result in an absent or disrupted protein product. Loss-of-function variants in SUOX are known to be pathogenic (PMID: 1212661, 9600976, 15952210, 32978145). This variant is not present in population databases (gnomAD no frequency). This variant has not been reported in the literature in individuals affected with SUOX-related conditions. ClinVar contains an entry for this variant (Variation ID: 1068910). Algorithms developed to predict the effect of sequence changes on RNA splicing suggest that this variant may disrupt the consensus splice site. For these reasons, this variant has been classified as Pathogenic.

PreventionGenetics, part of Exact Sciences
Classification: Likely pathogenic for SUOX-related condition. Last evaluated: 2024-09-04. Review status: no assertion criteria provided. Collection method: clinical testing. Allele origin: germline. Not counted in ClinVar's aggregate classification.
Comment: The SUOX c.115C>T variant is predicted to result in premature protein termination (p.Gln39*). To our knowledge, this variant has not been reported in the literature or a large population database, indicating this variant is rare. Nonsense variants in SUOX are expected to be pathogenic. This variant is interpreted as likely pathogenic.

Literature cited by the submitters: PubMed 1212661 (cited by Labcorp Genetics (formerly Invitae), Labcorp); PubMed 9600976 (cited by Labcorp Genetics (formerly Invitae), Labcorp); PubMed 15952210 (cited by Labcorp Genetics (formerly Invitae), Labcorp); PubMed 32978145 (cited by Labcorp Genetics (formerly Invitae), Labcorp).